The following is an entry in ClinVar:

NM_001383.6(DPH1):c.686T>C (p.Leu229Pro)

Gene: DPH1 (diphthamide biosynthesis 1; plus strand). Cytogenetic location: 17p13.3.
Variant type: single nucleotide variant.
Coding change: c.686T>C on transcript NM_001383.6 (MANE Select); coding-DNA position 686, T replaced by C.
Protein change: p.Leu229Pro; replaces leucine 229 with proline.
Molecular consequence: missense variant. On other transcripts: non-coding transcript variant (3).
Genome position (GRCh38, 1-based): chr17:2,039,760, T>C. VCF-style: chr17-2039760-T-C. GRCh37 (hg19) VCF-style: chr17-1943054-T-C.
Other names: c.701T>C, p.Leu234Pro (NM_001346574.1); c.668T>C, p.Leu223Pro (NM_001346575.1); c.281T>C, p.Leu94Pro (NM_001346576.2); short protein forms L234P, L223P, L94P, L229P.
Identifiers: ClinVar variation 183359 (VCV000183359.36), dbSNP rs730882250, ClinGen allele CA249975.

ClinVar aggregate classification (germline): Pathogenic/Likely pathogenic. Review status: criteria provided, multiple submitters, no conflicts (2 of 4 stars). 6 submissions from 4 submitters: Pathogenic (1); Likely pathogenic (1). 4 of the submissions do not count toward it. Last evaluated 2024-03-14.

Conditions:
Developmental delay with short stature, dysmorphic facial features, and sparse hair 1. Also called: LOUCKS-INNES SYNDROME. Identifiers: MedGen CN323360, MONDO:0800438, OMIM 616901.
Developmental delay with short stature, dysmorphic facial features, and sparse hair. Also called: Developmental delay with short stature, dysmorphic features, and sparse hair. Identifiers: Orphanet 459061, MedGen C4310801, MONDO:0031632.
Dandy-Walker syndrome (DWS). Identifiers: Orphanet 217, MedGen C0010964, MeSH D003616, MONDO:0009072, OMIM 220200.
Cerebellar vermis hypoplasia. Identifiers: MedGen C1840379, HP:0001320.
Hydrocephalus (HYC). Identifiers: MedGen C0020255, MONDO:0001150, HP:0000238.
Global developmental delay (DD). Also called: Cognitive delay. Identifiers: MedGen C0557874, HP:0001263. Disease mechanism: loss of function.

Submissions (6):

Genomic Medicine Center of Excellence, King Faisal Specialist Hospital and Research Centre
Classification: Pathogenic for Developmental delay with short stature, dysmorphic facial features, and sparse hair. Last evaluated: 2024-03-14. Review status: criteria provided, single submitter. Criteria: ACMG Guidelines, 2015. Collection method: clinical testing. Allele origin: germline.

Revvity Omics, Revvity
Classification: Likely pathogenic for Developmental delay with short stature, dysmorphic facial features, and sparse hair 1. Last evaluated: 2021-01-28. Review status: criteria provided, single submitter. Criteria: ACMG Guidelines, 2015. Collection method: clinical testing. Allele origin: germline.

Biochemical Molecular Genetic Laboratory, King Abdulaziz Medical City
Classification: Likely pathogenic for Developmental delay with short stature, dysmorphic facial features, and sparse hair 1. Last evaluated: 2020-10-11. Review status: no assertion criteria provided. Collection method: clinical testing. Allele origin: germline. Affected: yes. Not counted in ClinVar's aggregate classification.

OMIM
Classification: Pathogenic for DEVELOPMENTAL DELAY WITH SHORT STATURE, DYSMORPHIC FACIAL FEATURES, AND SPARSE HAIR 1. Last evaluated: 2015-01-13. Review status: no assertion criteria provided. Collection method: literature only. Allele origin: germline. Not counted in ClinVar's aggregate classification.

Genomic Medicine Center of Excellence, King Faisal Specialist Hospital and Research Centre
Classification: Likely pathogenic for Cerebellar vermis hypoplasia; Dandy-Walker malformation; Hydrocephalus; Developmental delay. Last evaluated: 2014-12-01. Review status: no assertion criteria provided. Criteria: research. Collection method: research. Allele origin: germline. Affected: yes. Not counted in ClinVar's aggregate classification.

Genomic Medicine Center of Excellence, King Faisal Specialist Hospital and Research Centre
Classification: Pathogenic for Developmental delay with short stature, dysmorphic facial features, and sparse hair 1. Last evaluated: 2021-04-29. Review status: flagged submission. Collection method: research. Allele origin: germline. Affected: yes. Not counted in ClinVar's aggregate classification.
ClinVar note: Reason: This record appears to be redundant with a more recent record from the same submitter.
ClinVar note: Notes: SCV001870457 appears to be redundant with SCV005038849.

Literature cited by the submitters: PubMed 25558065 (cited by OMIM and Genomic Medicine Center of Excellence, King Faisal Specialist Hospital and Research Centre); PubMed 30877278 (cited by OMIM).